The following is an entry in ClinVar:

ClinVar aggregate classification (germline): Likely benign. Review status: criteria provided, multiple submitters, no conflicts (2 of 4 stars). 2 submissions from 2 submitters: Likely benign (2). Last evaluated 2026-05-01.

Allele frequency attached by ClinVar (database versions not stated): gnomAD exomes 0.00011; ExAC 0.00035; 1000 Genomes Project 0.00060; 1000 Genomes Project 30x 0.00062; ESP Exome Variant Server 0.00131; gnomAD 0.00134; TOPMed 0.00141.

Submissions (2):

CeGaT Center for Human Genetics Tuebingen
Classification: Likely benign. Last evaluated: 2026-05-01. Review status: criteria provided, single submitter. Criteria: CeGaT Center For Human Genetics Tuebingen Variant Classification Criteria Version 2. Collection method: clinical testing. Allele origin: germline. Affected: yes. Observed: 4 variant alleles.
Comment: TRIP12: BP4, BP7

Blueprint Genetics
Classification: Likely benign. Last evaluated: 2023-12-04. Review status: criteria provided, single submitter. Criteria: ACMG Guidelines, 2015. Collection method: clinical testing. Allele origin: germline.

NM_001348323.3(TRIP12):c.3870G>A (p.Leu1290=)

Gene: TRIP12 (thyroid hormone receptor interactor 12; minus strand). Cytogenetic location: 2q36.3.
Variant type: single nucleotide variant.
Coding change: c.3870G>A on transcript NM_001348323.3 (MANE Select); coding-DNA position 3870, G replaced by A.
Protein change: p.Leu1290=; no amino-acid change (leucine 1290 retained).
Molecular consequence: synonymous variant.
Genome position (GRCh38, 1-based): chr2:229,795,277, C>T on the plus strand (G>A on the coding strand, the complement: TRIP12 is on the minus strand). VCF-style: chr2-229795277-C-T. GRCh37 (hg19) VCF-style: chr2-230659993-C-T.
Other names: c.3789G>A, p.Leu1263= (NM_001284214.2, NM_001348315.2); c.3744G>A, p.Leu1248= (NM_001284215.2, NM_001348316.2, NM_001348317.1 and 1 more transcripts); c.2835G>A, p.Leu945= (NM_001284216.2); c.3870G>A, p.Leu1290= (NM_001348319.1, NM_001348320.2, NM_001348322.1 and 4 more transcripts); c.3873G>A, p.Leu1291= (NM_001348321.1, NM_001348328.1, NM_001348329.2 and 1 more transcripts); c.3663G>A, p.Leu1221= (NM_001348331.1); c.3783G>A, p.Leu1261= (NM_001348332.1); c.3792G>A, p.Leu1264= (NM_001348333.1); and 1 more.
Identifiers: ClinVar variation 2651980 (VCV002651980.25), dbSNP rs113291678, ClinGen allele CA2152653.